The following is an entry in ClinVar:

ClinVar aggregate classification (germline): Pathogenic (1 of 4 stars; one submission).

Submission:

Labcorp Genetics (formerly Invitae), Labcorp
Classification: Pathogenic. Last evaluated: 2024-01-11. Review status: criteria provided, single submitter. Criteria: Invitae Variant Classification Sherloc (09022015). Collection method: clinical testing. Allele origin: germline.
Comment: This sequence change creates a premature translational stop signal (p.Asn238Metfs*14) in the SERPING1 gene. It is expected to result in an absent or disrupted protein product. Loss-of-function variants in SERPING1 are known to be pathogenic (PMID: 11112899, 24456027). This variant is not present in population databases (gnomAD no frequency). This variant has not been reported in the literature in individuals affected with SERPING1-related conditions. For these reasons, this variant has been classified as Pathogenic.

Literature cited by the submitters: PubMed 11112899; PubMed 24456027.

NM_000062.3(SERPING1):c.713del (p.Asn238fs)

Gene: SERPING1 (serpin family G member 1; plus strand). Cytogenetic location: 11q12.1.
Variant type: Deletion.
Coding change: c.713del on transcript NM_000062.3 (MANE Select); coding-DNA position 713, one base deleted (A; older notation c.713delA).
Protein change: p.Asn238fs; shifts the reading frame from asparagine 238.
Molecular consequence: frameshift variant.
Genome position (GRCh38, 1-based): chr11:57,606,037, A deleted; the last of 2 consecutive A bases (chr11:57,606,036-57,606,037); deleting either gives the same sequence. VCF-style (leftmost placement, unchanged base first): chr11-57606035-GA-G. GRCh37 (hg19) VCF-style: chr11-57373508-GA-G.
Other names: c.713del, p.Asn238fs (NM_001032295.2); short protein forms N238fs.
Identifiers: ClinVar variation 2708423 (VCV002708423.3), dbSNP rs2495440431, ClinGen allele CA2697548588.